The following is an entry in ClinVar:

ClinVar aggregate classification (germline): Uncertain significance (1 of 4 stars; one submission).

Conditions:
Hereditary sensory and autonomic neuropathy type 6. Also called: Neuropathy, hereditary sensory and autonomic, type VI; HSAN VI. Identifiers: Orphanet 314381, MedGen C3539003, MONDO:0013839, OMIM 614653.
Epidermolysis bullosa simplex 3, localized or generalized intermediate, with BP230 deficiency (EBS3). Also called: Epidermolysis bullosa simplex, autosomal recessive 2; Epidermolysis bullosa simplex due to BP230 deficiency. Identifiers: Orphanet 412181, MedGen C3809470, MONDO:0014180, OMIM 615425.

Allele frequency attached by ClinVar (database versions not stated): gnomAD exomes below 0.00001 and 0.00001; ExAC 0.00001; TOPMed 0.00001.
gnomAD v4.1: 1 of 1,613,794 alleles (0.000062%); highest among the groups gnomAD compares: East Asian, 0.0022%; no homozygotes.

Submission:

Labcorp Genetics (formerly Invitae), Labcorp
Classification: Uncertain significance for Epidermolysis bullosa simplex 3, localized or generalized intermediate, with BP230 deficiency; Hereditary sensory and autonomic neuropathy type 6. Last evaluated: 2022-09-06. Review status: criteria provided, single submitter. Criteria: Invitae Variant Classification Sherloc (09022015). Collection method: clinical testing. Allele origin: germline.
Comment: This variant is present in population databases (rs764457552, gnomAD 0.006%). This sequence change replaces histidine, which is basic and polar, with tyrosine, which is neutral and polar, at codon 3568 of the DST protein (p.His3568Tyr). The DST gene has multiple clinically relevant transcripts. This variant occurs in alternate transcript NM_015548.4, and corresponds to NM_001723.5:c.*100062C>T in the primary transcript. This variant has not been reported in the literature in individuals affected with DST-related conditions. In summary, the available evidence is currently insufficient to determine the role of this variant in disease. Therefore, it has been classified as a Variant of Uncertain Significance. Experimental studies and prediction algorithms are not available or were not evaluated, and the functional significance of this variant is currently unknown.

NM_001374736.1(DST):c.18571C>T (p.His6191Tyr)

Gene: DST (dystonin; minus strand). Cytogenetic location: 6p12.1.
Variant type: single nucleotide variant.
Coding change: c.18571C>T on transcript NM_001374736.1 (MANE Select); coding-DNA position 18571, C replaced by T.
Protein change: p.His6191Tyr; replaces histidine 6191 with tyrosine.
Molecular consequence: missense variant.
Genome position (GRCh38, 1-based): chr6:56,515,455, G>A on the plus strand (C>T on the coding strand, the complement: DST is on the minus strand). VCF-style: chr6-56515455-G-A. GRCh37 (hg19) VCF-style: chr6-56380253-G-A.
Other names: c.12214C>T, p.His4072Tyr (NM_001144769.5); c.11800C>T, p.His3934Tyr (NM_001144770.2); c.18571C>T, p.His6191Tyr (NM_001374722.1); c.17611C>T, p.His5871Tyr (NM_001374729.1); c.11353C>T, p.His3785Tyr (NM_001374730.1); c.18598C>T, p.His6200Tyr (NM_001374734.1); c.11680C>T, p.His3894Tyr (NM_001386100.1, NM_183380.4); c.10702C>T, p.His3568Tyr (NM_015548.5); short protein forms H3894Y, H3934Y, H4072Y, H6200Y, H3568Y, H5871Y, H3785Y, H6191Y.
Identifiers: ClinVar variation 1045187 (VCV001045187.9), dbSNP rs764457552, ClinGen allele CA3867189.